The following is an entry in ClinVar:

ClinVar aggregate classification (germline): Uncertain significance. Review status: criteria provided, multiple submitters, no conflicts (2 of 4 stars). 5 submissions from 5 submitters: Uncertain significance (5). Last evaluated 2024-03-06.

Conditions:
Hereditary cancer-predisposing syndrome. Also called: Hereditary Cancer Syndrome; Neoplastic Syndromes, Hereditary; Hereditary neoplastic syndrome; Tumor predisposition. Identifiers: Orphanet 140162, MedGen C0027672, MeSH D009386, MONDO:0015356.
Peutz-Jeghers syndrome (PJS). Also called: Peutz-Jeghers polyposis; Periorificial lentiginosis syndrome; POLYPOSIS, HAMARTOMATOUS INTESTINAL; POLYPS-AND-SPOTS SYNDROME. Identifiers: Orphanet 2869, MedGen C0031269, MeSH D010580, MONDO:0008280, OMIM 175200.

Submissions (5):

Color Diagnostics, LLC DBA Color Health
Classification: Uncertain significance for Hereditary cancer-predisposing syndrome. Last evaluated: 2024-03-06. Review status: criteria provided, single submitter. Criteria: ACMG Guidelines, 2015. Collection method: clinical testing. Allele origin: germline.
Comment: This missense variant replaces glutamine with arginine at codon 364 of the STK11 protein. Computational prediction suggests that this variant may not impact protein structure and function (internally defined REVEL score threshold <= 0.5, PMID: 27666373). Splice site prediction tools suggest that this variant may not impact RNA splicing. To our knowledge, functional studies have not been performed for this variant. This variant has not been reported in individuals affected with hereditary cancer in the literature. This variant has not been identified in the general population by the Genome Aggregation Database (gnomAD). The available evidence is insufficient to determine the role of this variant in disease conclusively. Therefore, this variant is classified as a Variant of Uncertain Significance.

Ambry Genetics
Classification: Uncertain significance for Hereditary cancer-predisposing syndrome. Last evaluated: 2023-12-04. Review status: criteria provided, single submitter. Criteria: Ambry Variant Classification Scheme 2023. Collection method: clinical testing. Allele origin: germline.
Comment: The p.Q364R variant (also known as c.1091A>G), located in coding exon 8 of the STK11 gene, results from an A to G substitution at nucleotide position 1091. The glutamine at codon 364 is replaced by arginine, an amino acid with highly similar properties. This amino acid position is highly conserved in available vertebrate species. In addition, this alteration is predicted to be tolerated by in silico analysis. Since supporting evidence is limited at this time, the clinical significance of this alteration remains unclear.

All of Us Research Program, National Institutes of Health
Classification: Uncertain significance for Peutz-Jeghers syndrome. Last evaluated: 2023-03-04. Review status: criteria provided, single submitter. Criteria: ACMG Guidelines, 2015. Collection method: clinical testing. Allele origin: germline. Inheritance: Autosomal dominant inheritance. Observed: 1 variant allele, 1 heterozygote.
Comment: This missense variant replaces glutamine with arginine at codon 364 of the STK11 protein. Computational prediction suggests that this variant may not impact protein structure and function (internally defined REVEL score threshold <= 0.5, PMID: 27666373). Splice site prediction tools suggest that this variant may not impact RNA splicing. To our knowledge, functional studies have not been performed for this variant. This variant has not been reported in individuals affected with hereditary cancer in the literature. This variant has not been identified in the general population by the Genome Aggregation Database (gnomAD). The available evidence is insufficient to determine the role of this variant in disease conclusively. Therefore, this variant is classified as a Variant of Uncertain Significance.

This study involves interpretation of variants in research participants for the purpose of population health screening. Participant phenotype was not available at the time of variant classification. Additional details can be found in publication PMID: 35346344, PMCID: PMC8962531

Genome-Nilou Lab
Classification: Uncertain significance for Peutz-Jeghers syndrome. Last evaluated: 2021-07-15. Review status: criteria provided, single submitter. Criteria: ACMG Guidelines, 2015. Collection method: clinical testing. Allele origin: germline. Affected: no.

Labcorp Genetics (formerly Invitae), Labcorp
Classification: Uncertain significance for Peutz-Jeghers syndrome. Last evaluated: 2020-10-27. Review status: criteria provided, single submitter. Criteria: Invitae Variant Classification Sherloc (09022015). Collection method: clinical testing. Allele origin: germline.
Comment: This sequence change replaces glutamine with arginine at codon 364 of the STK11 protein (p.Gln364Arg). The glutamine residue is highly conserved and there is a small physicochemical difference between glutamine and arginine. This variant is not present in population databases (ExAC no frequency). In summary, the available evidence is currently insufficient to determine the role of this variant in disease. Therefore, it has been classified as a Variant of Uncertain Significance. Advanced modeling of protein sequence and biophysical properties (such as structural, functional, and spatial information, amino acid conservation, physicochemical variation, residue mobility, and thermodynamic stability) performed at Invitae indicates that this missense variant is not expected to disrupt STK11 protein function. This variant has not been reported in the literature in individuals with STK11-related conditions. ClinVar contains an entry for this variant (Variation ID: 822143).

NM_000455.5(STK11):c.1091A>G (p.Gln364Arg)

Genes: STK11 (serine/threonine kinase 11; plus strand), LOC130062899 (ATAC-STARR-seq lymphoblastoid active region 13597; plus strand). Cytogenetic location: 19p13.3.
Variant type: single nucleotide variant.
Coding change: c.1091A>G on transcript NM_000455.5 (MANE Select); coding-DNA position 1091, A replaced by G.
Protein change: p.Gln364Arg; replaces glutamine 364 with arginine.
Molecular consequence: missense variant.
Genome position (GRCh38, 1-based): chr19:1,223,155, A>G. VCF-style: chr19-1223155-A-G. GRCh37 (hg19) VCF-style: chr19-1223154-A-G.
Other names: short protein forms Q364R.
Identifiers: ClinVar variation 822143 (VCV000822143.19), dbSNP rs1599929567, ClinGen allele CA402951941.